The following is an entry in ClinVar:

NM_001037333.3(CYFIP2):c.1755A>G (p.Gly585=)

Gene: CYFIP2 (cytoplasmic FMR1 interacting protein 2; plus strand). Cytogenetic location: 5q33.3.
Variant type: single nucleotide variant.
Coding change: c.1755A>G on transcript NM_001037333.3 (MANE Select); coding-DNA position 1755, A replaced by G.
Protein change: p.Gly585=; no amino-acid change (glycine 585 retained).
Molecular consequence: synonymous variant.
Genome position (GRCh38, 1-based): chr5:157,324,004, A>G. VCF-style: chr5-157324004-A-G. GRCh37 (hg19) VCF-style: chr5-156751012-A-G.
Other names: c.1677A>G, p.Gly559= (NM_001291721.2); c.1830A>G, p.Gly610= (NM_001291722.2); c.1755A>G, p.Gly585= (NM_014376.4).
Identifiers: ClinVar variation 1164414 (VCV001164414.12), dbSNP rs142973944, ClinGen allele CA3533678.
Genomic context (GRCh38, chr5:157,324,004, plus strand): 5'-TGAATCACTCATTGCAGACAAAAGCGGCTCCAAGAAGACCCTGAGGAGCAGCCTGGATGG[A>G]CCCATTGTCCTCGCCATAGAGGACTTTCACAAACAGTCCTTCTTCTTCACACATCTGCTC-3'
Protein context (NP_001032410.1, residues 575-595): SKKTLRSSLD[Gly585=]PIVLAIEDFH

ClinVar aggregate classification (germline): Benign/Likely benign. Review status: criteria provided, multiple submitters, no conflicts (2 of 4 stars). 3 submissions from 3 submitters: Benign (1); Likely benign (2). Last evaluated 2026-04-01.

Allele frequency attached by ClinVar (database versions not stated): gnomAD exomes 0.00019 and 0.00042; ExAC 0.00063; ESP Exome Variant Server 0.00114; gnomAD 0.00151 and 0.00160; 1000 Genomes Project 0.00160; TOPMed 0.00180; 1000 Genomes Project 30x 0.00187.
gnomAD v4.1: 517 of 1,613,524 alleles (0.032%); highest among the groups gnomAD compares: African/African-American, 0.53%; 1 homozygote.

Submissions (3):

CeGaT Center for Human Genetics Tuebingen
Classification: Likely benign. Last evaluated: 2026-04-01. Review status: criteria provided, single submitter. Criteria: CeGaT Center For Human Genetics Tuebingen Variant Classification Criteria Version 2. Collection method: clinical testing. Allele origin: germline. Affected: yes. Observed: 1 variant allele.
Comment: CYFIP2: BP4, BP7, BS1

Labcorp Genetics (formerly Invitae), Labcorp
Classification: Benign. Last evaluated: 2026-01-18. Review status: criteria provided, single submitter. Criteria: Invitae Variant Classification Sherloc (09022015). Collection method: clinical testing. Allele origin: germline.

Blueprint Genetics
Classification: Likely benign. Last evaluated: 2024-09-02. Review status: criteria provided, single submitter. Criteria: ACMG Guidelines, 2015. Collection method: clinical testing. Allele origin: germline.